The following is an entry in ClinVar:

ClinVar aggregate classification (germline): Uncertain significance. Review status: criteria provided, multiple submitters, no conflicts (2 of 4 stars). 2 submissions from 2 submitters: Uncertain significance (2). Last evaluated 2024-01-30.

Conditions:
TNF receptor-associated periodic fever syndrome (TRAPS) (FPF). Also called: TNF receptor 1-associated periodic fever syndrome; FAMILIAL HIBERNIAN FEVER; TNF RECEPTOR-ASSOCIATED PERIODIC SYNDROME; TUMOR NECROSIS FACTOR RECEPTOR-ASSOCIATED PERIODIC SYNDROME; Autosomal Dominant Familial Periodic Fever; TNF Receptor-Associated Periodic Fever Syndrome. Identifiers: Orphanet 32960, MedGen C1275126, MONDO:0007727, OMIM 142680.
Inborn genetic diseases. Identifiers: MedGen C0950123, MeSH D030342.

Allele frequency attached by ClinVar (database versions not stated): gnomAD exomes below 0.00001.
gnomAD v4.1: 1 of 1,613,760 alleles (0.000062%); highest among the groups gnomAD compares: East Asian, 0.0022%; no homozygotes.

Submissions (2):

Ambry Genetics
Classification: Uncertain significance for Inborn genetic diseases. Last evaluated: 2024-01-30. Review status: criteria provided, single submitter. Criteria: Ambry Variant Classification Scheme 2023. Collection method: clinical testing. Allele origin: germline.

Labcorp Genetics (formerly Invitae), Labcorp
Classification: Uncertain significance for TNF receptor-associated periodic fever syndrome (TRAPS). Last evaluated: 2022-03-16. Review status: criteria provided, single submitter. Criteria: Invitae Variant Classification Sherloc (09022015). Collection method: clinical testing. Allele origin: germline.
Comment: In summary, the available evidence is currently insufficient to determine the role of this variant in disease. Therefore, it has been classified as a Variant of Uncertain Significance. Algorithms developed to predict the effect of missense changes on protein structure and function are either unavailable or do not agree on the potential impact of this missense change (SIFT: "Tolerated"; PolyPhen-2: "Probably Damaging"; Align-GVGD: "Class C0"). This variant has not been reported in the literature in individuals affected with TNFRSF1A-related conditions. This variant is not present in population databases (gnomAD no frequency). This sequence change replaces threonine, which is neutral and polar, with isoleucine, which is neutral and non-polar, at codon 153 of the TNFRSF1A protein (p.Thr153Ile).

NM_001065.4(TNFRSF1A):c.458C>T (p.Thr153Ile)

Gene: TNFRSF1A (TNF receptor superfamily member 1A; minus strand). Cytogenetic location: 12p13.31.
Variant type: single nucleotide variant.
Coding change: c.458C>T on transcript NM_001065.4 (MANE Select); coding-DNA position 458, C replaced by T.
Protein change: p.Thr153Ile; replaces threonine 153 with isoleucine.
Molecular consequence: missense variant. On other transcripts: 5 prime UTR variant (1), non-coding transcript variant (1).
Genome position (GRCh38, 1-based): chr12:6,333,381, G>A on the plus strand (C>T on the coding strand, the complement: TNFRSF1A is on the minus strand). VCF-style: chr12-6333381-G-A. GRCh37 (hg19) VCF-style: chr12-6442547-G-A.
Other names: c.134C>T, p.Thr45Ile (NM_001346091.2); c.-120C>T (NM_001346092.2); short protein forms T153I, T45I.
Identifiers: ClinVar variation 1952124 (VCV001952124.6), dbSNP rs1163127910, ClinGen allele CA383549873.
Genomic context (GRCh38, chr12:6,333,381, plus strand): 5'-CCCCTGGGGTGGGGAGAGGGCTTGGCCTCAGGAGAGCTGCGCTCACAGGAGAGGTGCACG[G>A]TCCCATTGAGGCAGAGGCTGCAATTGAAGCACTGGAAAAGGTTTTCACTCCAATAATGCC-3'
Protein context (NP_001056.1, residues 143-163): CFNCSLCLNG[Thr153Ile]VHLSCQEKQN